The following is an entry in ClinVar:

NM_002047.4(GARS1):c.1337A>T (p.Asp446Val)

Gene: GARS1 (glycyl-tRNA synthetase 1; plus strand). Cytogenetic location: 7p14.3.
Variant type: single nucleotide variant.
Coding change: c.1337A>T on transcript NM_002047.4 (MANE Select); coding-DNA position 1337, A replaced by T.
Protein change: p.Asp446Val; replaces aspartic acid 446 with valine.
Molecular consequence: missense variant.
Genome position (GRCh38, 1-based): chr7:30,617,256, A>T. VCF-style: chr7-30617256-A-T. GRCh37 (hg19) VCF-style: chr7-30656872-A-T.
Other names: c.1337A>T (LRG_243t1); c.1175A>T, p.Asp392Val (NM_001316772.1); short protein forms D446V, D392V.
Identifiers: ClinVar variation 543226 (VCV000543226.8), dbSNP rs1554338834, ClinGen allele CA367127524.

ClinVar aggregate classification (germline): Uncertain significance (1 of 4 stars; one submission).

Conditions:
Charcot-Marie-Tooth disease type 2. Also called: Charcot-Marie-Tooth type 2. Identifiers: Orphanet 64746, MedGen C0270914, MONDO:0018993.

Submission:

Labcorp Genetics (formerly Invitae), Labcorp
Classification: Uncertain significance for Charcot-Marie-Tooth disease type 2. Last evaluated: 2017-11-23. Review status: criteria provided, single submitter. Criteria: Invitae Variant Classification Sherloc (09022015). Collection method: clinical testing. Allele origin: germline.
Comment: This sequence change replaces aspartic acid with valine at codon 446 of the GARS protein (p.Asp446Val). The aspartic acid residue is highly conserved and there is a large physicochemical difference between aspartic acid and valine. This variant is not present in population databases (ExAC no frequency). This variant has not been reported in the literature in individuals with GARS-related disease. Algorithms developed to predict the effect of missense changes on protein structure and function (SIFT, PolyPhen-2, Align-GVGD) all suggest that this variant is likely to be disruptive, but these predictions have not been confirmed by published functional studies and their clinical significance is uncertain. In summary, the available evidence is currently insufficient to determine the role of this variant in disease. Therefore, it has been classified as a Variant of Uncertain Significance.